The following is an entry in ClinVar:

ClinVar aggregate classification (germline): Pathogenic (1 of 4 stars; one submission).

Conditions:
Inborn genetic diseases. Identifiers: MedGen C0950123, MeSH D030342.

Submission:

Ambry Genetics
Classification: Pathogenic for Inborn genetic diseases. Last evaluated: 2026-03-10. Review status: criteria provided, single submitter. Criteria: Ambry Variant Classification Scheme 2023. Collection method: clinical testing. Allele origin: germline.
Comment: The c.219_220dupGG (p.V74Gfs*77) alteration, located in exon 1 (coding exon 1) of the KMT2A gene, consists of a duplication of GG at nucleotide positions 219 to 220, causing a translational frameshift with a predicted alternate stop codon after 77 amino acids. This variant is expected to result in loss of function by premature protein truncation or nonsense-mediated mRNA decay. This variant was not reported in population-based cohorts in the Genome Aggregation Database (gnomAD). Based on the available evidence, this alteration is classified as pathogenic.

NM_001197104.2(KMT2A):c.219_220dup (p.Val74fs)

Gene: KMT2A (lysine methyltransferase 2A; plus strand). Cytogenetic location: 11q23.3.
Variant type: Duplication.
Coding change: c.219_220dup on transcript NM_001197104.2 (MANE Select); coding-DNA positions 219 to 220, 2 bases duplicated (GG; older notation c.219_220dupGG).
Protein change: p.Val74fs; shifts the reading frame from valine 74.
Molecular consequence: frameshift variant.
Genome position (GRCh38, 1-based): chr11:118,436,731-118,436,732, GG duplicated; duplicating any 2 consecutive bases within chr11:118,436,729-118,436,732 gives the same sequence; the c. name uses the placement nearest the transcript's 3' end. VCF-style (leftmost placement, unchanged base first): chr11-118436728-T-TGG. GRCh37 (hg19) VCF-style: chr11-118307443-T-TGG.
Other names: c.219_220dup, p.Val74fs (NM_001412597.1, NM_005933.4); c.219_220dupGG (NM_001197104.1); short protein forms V74fs.
Identifiers: ClinVar variation 4840270 (VCV004840270.1).